The following is an entry in ClinVar:

ClinVar aggregate classification (germline): Uncertain significance (1 of 4 stars; one submission).

Conditions:
Hereditary pancreatitis (PCTT). Also called: PRSS1-Related Hereditary Pancreatitis; Hereditary chronic pancreatitis. Identifiers: Orphanet 676, MedGen C0238339, MONDO:0008185, OMIM 167800.

Submission:

Labcorp Genetics (formerly Invitae), Labcorp
Classification: Uncertain significance for Hereditary pancreatitis. Last evaluated: 2018-05-18. Review status: criteria provided, single submitter. Criteria: Invitae Variant Classification Sherloc (09022015). Collection method: clinical testing. Allele origin: germline.
Comment: This variant, c.129_131dupTGA, results in the insertion of 1 amino acid to the SPINK1 protein (p.Asp44dup), but otherwise preserves the integrity of the reading frame. This variant is not present in population databases (ExAC no frequency). This variant has not been reported in the literature in individuals with SPINK1-related disease. ClinVar contains an entry for this variant (Variation ID: 239505). Experimental studies and prediction algorithms are not available for this variant, and the functional significance of the duplicated amino acid is currently unknown. In summary, the available evidence is currently insufficient to determine the role of this variant in disease. Therefore, it has been classified as a Variant of Uncertain Significance.

NM_001379610.1(SPINK1):c.129_131dup (p.Asp44dup)

Gene: SPINK1 (serine peptidase inhibitor Kazal type 1; minus strand). Cytogenetic location: 5q32.
Variant type: Duplication.
Coding change: c.129_131dup on transcript NM_001379610.1 (MANE Select); coding-DNA positions 129 to 131, 3 bases duplicated (TGA; older notation c.129_131dupTGA).
Protein change: p.Asp44dup; duplicates aspartic acid 44.
Molecular consequence: inframe insertion.
Genome position (GRCh38, 1-based): chr5:147,828,085-147,828,087, TCA duplicated on the plus strand (TGA on the coding strand, the reverse complement: SPINK1 is on the minus strand); duplicating any 3 consecutive bases within chr5:147,828,085-147,828,088 gives the same sequence; the c. name uses the placement nearest the transcript's 3' end. VCF-style (leftmost placement, unchanged base first): chr5-147828084-G-GTCA. GRCh37 (hg19) VCF-style: chr5-147207647-G-GTCA.
Other names: c.129_131dup, p.Asp44dup (NM_001354966.2, NM_003122.5); c.129_131dupTGA (NM_003122.4).
Identifiers: ClinVar variation 239505 (VCV000239505.8), dbSNP rs878854607, ClinGen allele CA10582406.